The following is an entry in ClinVar:

NM_004281.4(BAG3):c.103G>T (p.Gly35Cys)

Gene: BAG3 (BAG cochaperone 3; plus strand). Cytogenetic location: 10q26.11.
Variant type: single nucleotide variant.
Coding change: c.103G>T on transcript NM_004281.4 (MANE Select); coding-DNA position 103, G replaced by T.
Protein change: p.Gly35Cys; replaces glycine 35 with cysteine.
Molecular consequence: missense variant.
Genome position (GRCh38, 1-based): chr10:119,651,778, G>T. VCF-style: chr10-119651778-G-T. GRCh37 (hg19) VCF-style: chr10-121411290-G-T.
Other names: c.103G>T (NM_004281.3); short protein forms G35C.
Identifiers: ClinVar variation 1388942 (VCV001388942.10), dbSNP rs200072558, ClinGen allele CA378294183.

ClinVar aggregate classification (germline): Uncertain significance. Review status: criteria provided, multiple submitters, no conflicts (2 of 4 stars). 3 submissions from 3 submitters: Uncertain significance (3). Last evaluated 2026-05-20.

Conditions:
Cardiovascular phenotype. Identifiers: MedGen CN230736.
Myofibrillar myopathy 6. Identifiers: Orphanet 199340, MedGen C2751831, MONDO:0013061, OMIM 612954.
Dilated cardiomyopathy 1HH (CMD1HH). Identifiers: Orphanet 154, MedGen C3151293, MONDO:0013479, OMIM 613881.

Submissions (3):

Ambry Genetics
Classification: Uncertain significance for Cardiovascular phenotype. Last evaluated: 2026-05-20. Review status: criteria provided, single submitter. Criteria: Ambry Variant Classification Scheme 2023. Collection method: clinical testing. Allele origin: germline.
Comment: The p.G35C variant (also known as c.103G>T), located in coding exon 1 of the BAG3 gene, results from a G to T substitution at nucleotide position 103. The glycine at codon 35 is replaced by cysteine, an amino acid with highly dissimilar properties. This amino acid position is highly conserved in available vertebrate species. In addition, this alteration is predicted to be deleterious by in silico analysis. Based on the available evidence, the clinical significance of this variant remains unclear.

GeneDx
Classification: Uncertain significance. Last evaluated: 2024-05-29. Review status: criteria provided, single submitter. Criteria: GeneDx Variant Classification Process June 2021. Collection method: clinical testing. Allele origin: germline. Affected: yes.
Comment: Not observed at significant frequency in large population cohorts (gnomAD); In silico analysis supports that this missense variant has a deleterious effect on protein structure/function; Has not been previously published as pathogenic or benign to our knowledge; This variant is associated with the following publications: (PMID: 20001957)

Labcorp Genetics (formerly Invitae), Labcorp
Classification: Uncertain significance for Dilated cardiomyopathy 1HH; Myofibrillar myopathy 6. Last evaluated: 2022-04-18. Review status: criteria provided, single submitter. Criteria: Invitae Variant Classification Sherloc (09022015). Collection method: clinical testing. Allele origin: germline.
Comment: In summary, the available evidence is currently insufficient to determine the role of this variant in disease. Therefore, it has been classified as a Variant of Uncertain Significance. Algorithms developed to predict the effect of missense changes on protein structure and function are either unavailable or do not agree on the potential impact of this missense change (SIFT: "Deleterious"; PolyPhen-2: "Probably Damaging"; Align-GVGD: "Class C0"). This variant has not been reported in the literature in individuals affected with BAG3-related conditions. This variant is not present in population databases (gnomAD no frequency). This sequence change replaces glycine, which is neutral and non-polar, with cysteine, which is neutral and slightly polar, at codon 35 of the BAG3 protein (p.Gly35Cys).